The following is an entry in ClinVar:

NM_020754.4(ARHGAP31):c.2752C>T (p.Leu918Phe)

Gene: ARHGAP31 (Rho GTPase activating protein 31; plus strand). Cytogenetic location: 3q13.33.
Variant type: single nucleotide variant.
Coding change: c.2752C>T on transcript NM_020754.4 (MANE Select); coding-DNA position 2752, C replaced by T.
Protein change: p.Leu918Phe; replaces leucine 918 with phenylalanine.
Molecular consequence: missense variant.
Genome position (GRCh38, 1-based): chr3:119,414,681, C>T. VCF-style: chr3-119414681-C-T. GRCh37 (hg19) VCF-style: chr3-119133528-C-T.
Other names: c.2752C>T (NM_020754.2); short protein forms L918F.
Identifiers: ClinVar variation 2118404 (VCV002118404.6), dbSNP rs1327129629, ClinGen allele CA354052892.

ClinVar aggregate classification (germline): Uncertain significance. Review status: criteria provided, multiple submitters, no conflicts (2 of 4 stars). 2 submissions from 2 submitters: Uncertain significance (2). Last evaluated 2023-08-28.

Conditions:
Inborn genetic diseases. Identifiers: MedGen C0950123, MeSH D030342.

Submissions (2):

Ambry Genetics
Classification: Uncertain significance for Inborn genetic diseases. Last evaluated: 2023-08-28. Review status: criteria provided, single submitter. Criteria: Ambry Variant Classification Scheme 2023. Collection method: clinical testing. Allele origin: germline.

Labcorp Genetics (formerly Invitae), Labcorp
Classification: Uncertain significance. Last evaluated: 2022-03-27. Review status: criteria provided, single submitter. Criteria: Invitae Variant Classification Sherloc (09022015). Collection method: clinical testing. Allele origin: germline.
Comment: In summary, the available evidence is currently insufficient to determine the role of this variant in disease. Therefore, it has been classified as a Variant of Uncertain Significance. Algorithms developed to predict the effect of missense changes on protein structure and function are either unavailable or do not agree on the potential impact of this missense change (SIFT: "Tolerated"; PolyPhen-2: "Probably Damaging"; Align-GVGD: "Class C0"). This variant has not been reported in the literature in individuals affected with ARHGAP31-related conditions. This variant is not present in population databases (gnomAD no frequency). This sequence change replaces leucine, which is neutral and non-polar, with phenylalanine, which is neutral and non-polar, at codon 918 of the ARHGAP31 protein (p.Leu918Phe).